The following is an entry in ClinVar:

NM_057176.3(BSND):c.516A>T (p.Glu172Asp)

Gene: BSND (barttin CLCNK type accessory subunit beta; plus strand). Cytogenetic location: 1p32.3.
Variant type: single nucleotide variant.
Coding change: c.516A>T on transcript NM_057176.3 (MANE Select); coding-DNA position 516, A replaced by T.
Protein change: p.Glu172Asp; replaces glutamic acid 172 with aspartic acid.
Molecular consequence: missense variant.
Genome position (GRCh38, 1-based): chr1:55,007,240, A>T. VCF-style: chr1-55007240-A-T. GRCh37 (hg19) VCF-style: chr1-55472913-A-T.
Other names: c.516A>T (NM_057176.2); short protein forms E172D.
Identifiers: ClinVar variation 2139153 (VCV002139153.8), dbSNP rs532738229, ClinGen allele CA871355.

ClinVar aggregate classification (germline): Conflicting classifications of pathogenicity. Review status: criteria provided, conflicting classifications (1 of 4 stars). 5 submissions from 5 submitters: Uncertain significance (4); Likely benign (1). Last evaluated 2025-07-15.

Conditions:
Inborn genetic diseases. Identifiers: MedGen C0950123, MeSH D030342.

Allele frequency attached by ClinVar (database versions not stated): TOPMed below 0.00001; gnomAD 0.00005; gnomAD exomes 0.00006; 1000 Genomes Project 30x 0.00016; ExAC 0.00018; 1000 Genomes Project 0.00020.
gnomAD v4.1: 95 of 1,610,008 alleles (0.0059%); highest among the groups gnomAD compares: South Asian, 0.096%; 1 homozygote.

Submissions (5):

GeneDx
Classification: Uncertain significance. Last evaluated: 2025-07-15. Review status: criteria provided, single submitter. Criteria: GeneDx Variant Classification Process June 2021. Collection method: clinical testing. Allele origin: germline. Affected: yes.
Comment: In silico analysis suggests that this missense variant does not alter protein structure/function; Has not been previously published as pathogenic or benign to our knowledge

Blueprint Genetics
Classification: Likely benign. Last evaluated: 2024-11-11. Review status: criteria provided, single submitter. Criteria: ACMG Guidelines, 2015. Collection method: clinical testing. Allele origin: germline.

Labcorp Genetics (formerly Invitae), Labcorp
Classification: Uncertain significance. Last evaluated: 2024-04-18. Review status: criteria provided, single submitter. Criteria: Invitae Variant Classification Sherloc (09022015). Collection method: clinical testing. Allele origin: germline.
Comment: This sequence change replaces glutamic acid, which is acidic and polar, with aspartic acid, which is acidic and polar, at codon 172 of the BSND protein (p.Glu172Asp). This variant is present in population databases (rs532738229, gnomAD 0.09%). This variant has not been reported in the literature in individuals affected with BSND-related conditions. ClinVar contains an entry for this variant (Variation ID: 2139153). Advanced modeling of protein sequence and biophysical properties (such as structural, functional, and spatial information, amino acid conservation, physicochemical variation, residue mobility, and thermodynamic stability) has been performed at Invitae for this missense variant, however the output from this modeling did not meet the statistical confidence thresholds required to predict the impact of this variant on BSND protein function. In summary, the available evidence is currently insufficient to determine the role of this variant in disease. Therefore, it has been classified as a Variant of Uncertain Significance.

Ambry Genetics
Classification: Uncertain significance for Inborn genetic diseases. Last evaluated: 2024-01-30. Review status: criteria provided, single submitter. Criteria: Ambry Variant Classification Scheme 2023. Collection method: clinical testing. Allele origin: germline.

Genetic Services Laboratory, University of Chicago
Classification: Uncertain significance. Last evaluated: 2023-05-09. Review status: criteria provided, single submitter. Criteria: ACMG Guidelines, 2015. Collection method: clinical testing. Allele origin: germline. Affected: no.
Comment: DNA sequence analysis of the BSND gene demonstrated a sequence change, c.516A>T, in exon 3 that results in an amino acid change, p.Glu172Asp. This sequence change has been described in the gnomAD database with a frequency of 0.088% in the South Asian subpopulation (dbSNP rs532738229). The p.Glu172Asp change affects a moderately conserved amino acid residue located in a domain of the BSND protein that is not known to be functional. The p.Glu172Asp substitution appears to be benign using several in-silico pathogenicity prediction tools (SIFT, PolyPhen2, Align GVGD, REVEL). This sequence change does not appear to have been previously described in individuals with BSND-related disorders. Due to insufficient evidences and the lack of functional studies, the clinical significance of the p.Glu172Asp change remains unknown at this time.